The following is an entry in ClinVar:

ClinVar aggregate classification (germline): Pathogenic (1 of 4 stars; one submission).

Submission:

GeneDx
Classification: Pathogenic. Last evaluated: 2022-06-20. Review status: criteria provided, single submitter. Criteria: GeneDx Variant Classification Process June 2021. Collection method: clinical testing. Allele origin: germline. Affected: yes.
Comment: Nonsense variant predicted to result in protein truncation or nonsense mediated decay in a gene for which loss of function is a known mechanism of disease; Not observed at significant frequency in large population cohorts (gnomAD); This variant is associated with the following publications: (PMID: 10854095, 31740684, 22508176)

NM_001009944.3(PKD1):c.9616C>T (p.Gln3206Ter)

Gene: PKD1 (polycystin 1, transient receptor potential channel interacting; minus strand). Cytogenetic location: 16p13.3.
Variant type: single nucleotide variant.
Coding change: c.9616C>T on transcript NM_001009944.3 (MANE Select); coding-DNA position 9616, C replaced by T.
Protein change: p.Gln3206Ter; replaces glutamine 3206 with a stop codon.
Molecular consequence: nonsense.
Genome position (GRCh38, 1-based): chr16:2,100,262, G>A on the plus strand (C>T on the coding strand, the complement: PKD1 is on the minus strand). VCF-style: chr16-2100262-G-A. GRCh37 (hg19) VCF-style: chr16-2150263-G-A.
Other names: c.9616C>T, p.Gln3206Ter (NM_000296.4); short protein forms Q3206*.
Identifiers: ClinVar variation 1800869 (VCV001800869.1), dbSNP rs2092038810, ClinGen allele CA394355354.